The following is an entry in ClinVar:

ClinVar aggregate classification (germline): Likely benign. Review status: criteria provided, multiple submitters, no conflicts (2 of 4 stars). 2 submissions from 2 submitters: Likely benign (2). Last evaluated 2026-06-01.

Conditions:
Spastic paraplegia. Identifiers: MedGen C0037772, HP:0001258.

Allele frequency attached by ClinVar (database versions not stated): ExAC 0.00001; gnomAD exomes 0.00001 and 0.00002; TOPMed 0.00001.

Submissions (2):

CeGaT Center for Human Genetics Tuebingen
Classification: Likely benign. Last evaluated: 2026-06-01. Review status: criteria provided, single submitter. Criteria: CeGaT Center For Human Genetics Tuebingen Variant Classification Criteria Version 2. Collection method: clinical testing. Allele origin: germline. Affected: yes. Observed: 1 variant allele.
Comment: KDM5C: BP4, BP7

Labcorp Genetics (formerly Invitae), Labcorp
Classification: Likely benign for Spastic paraplegia. Last evaluated: 2021-11-07. Review status: criteria provided, single submitter. Criteria: Invitae Variant Classification Sherloc (09022015). Collection method: clinical testing. Allele origin: germline.

NM_004187.5(KDM5C):c.3027G>A (p.Ala1009=)

Gene: KDM5C (lysine demethylase 5C; minus strand). Cytogenetic location: Xp11.22.
Variant type: single nucleotide variant.
Coding change: c.3027G>A on transcript NM_004187.5 (MANE Select); coding-DNA position 3027, G replaced by A.
Protein change: p.Ala1009=; no amino-acid change (alanine 1009 retained).
Molecular consequence: synonymous variant. On other transcripts: non-coding transcript variant (3).
Genome position (GRCh38, 1-based): chrX:53,196,009, C>T on the plus strand (G>A on the coding strand, the complement: KDM5C is on the minus strand). VCF-style: chrX-53196009-C-T. GRCh37 (hg19) VCF-style: chrX-53225191-C-T.
Other names: c.2826G>A, p.Ala942= (NM_001146702.2); c.3024G>A, p.Ala1008= (NM_001282622.3, NM_001353979.2, NM_001353982.2); c.3027G>A, p.Ala1009= (NM_001353978.3, NM_001353981.2, NM_001353984.2).
Identifiers: ClinVar variation 1572626 (VCV001572626.10), dbSNP rs782659319, ClinGen allele CA10419289.
Genomic context (GRCh38, chrX:53,196,009, plus strand): 5'-GGCCTTAGCAAGAGCCTCCTTGAGAGCCTGGATGTTGGGCAGGTGAACAGGGATGTTTTC[C>T]GCTTCACGGATTATGGCCTCAAGTGTGGCTGGTGGATGCTTCTGCCTAAAGGTAAGGAAA-3'
Protein context (NP_004178.2, residues 999-1019): PATLEAIIRE[Ala1009=]ENIPVHLPNI